The following is an entry in ClinVar:

NM_001365999.1(SZT2):c.6039T>C (p.Tyr2013=)

Gene: SZT2 (SZT2 subunit of KICSTOR complex; plus strand). Cytogenetic location: 1p34.2.
Variant type: single nucleotide variant.
Coding change: c.6039T>C on transcript NM_001365999.1 (MANE Select); coding-DNA position 6039, T replaced by C.
Protein change: p.Tyr2013=; no amino-acid change (tyrosine 2013 retained).
Molecular consequence: synonymous variant.
Genome position (GRCh38, 1-based): chr1:43,437,175, T>C. VCF-style: chr1-43437175-T-C. GRCh37 (hg19) VCF-style: chr1-43902846-T-C.
Other names: c.5868T>C, p.Tyr1956= (NM_015284.4).
Identifiers: ClinVar variation 1137885 (VCV001137885.10), dbSNP rs1192938717, ClinGen allele CA417549775.
Genomic context (GRCh38, chr1:43,437,175, plus strand): 5'-TGTGGAGGGCAGAGGGTGGTGTGTCCCATTTCTAATCCCTGCTCCCCCTCACCCAGATTA[T>C]GCTGCTGATGAGAGCTGTGCGCCCCGTGGGTACCTGGCAGCCACAATGCAGTTTGTCCCT-3'
Protein context (NP_001352928.1, residues 2003-2023): RQRAPLPSDD[Tyr2013=]AADESCAPRG

ClinVar aggregate classification (germline): Likely benign. Review status: criteria provided, multiple submitters, no conflicts (2 of 4 stars). 3 submissions from 3 submitters: Likely benign (3). Last evaluated 2024-04-03.

Conditions:
Developmental and epileptic encephalopathy, 18 (DEE18). Also called: Early infantile epileptic encephalopathy 18. Identifiers: Orphanet 369894, MedGen C3809624, MONDO:0014201, OMIM 615476.

Allele frequency attached by ClinVar (database versions not stated): TOPMed below 0.00001.

Submissions (3):

Labcorp Genetics (formerly Invitae), Labcorp
Classification: Likely benign. Last evaluated: 2024-04-03. Review status: criteria provided, single submitter. Criteria: Invitae Variant Classification Sherloc (09022015). Collection method: clinical testing. Allele origin: germline.

Women's Health and Genetics/Laboratory Corporation of America, LabCorp
Classification: Likely benign. Last evaluated: 2023-10-19. Review status: criteria provided, single submitter. Criteria: LabCorp Variant Classification Summary - May 2015. Collection method: clinical testing. Allele origin: germline.
Comment: Variant summary: C1orf84 c.5868T>C alters a non-conserved nucleotide resulting in a synonymous change. Consensus agreement among computation tools predict no significant impact on normal splicing. However, these predictions have yet to be confirmed by functional studies. The variant was absent in 250452 control chromosomes (gnomAD). The available data on variant occurrences in the general population are insufficient to allow any conclusion about variant significance. To our knowledge, no occurrence of c.5868T>C in individuals affected with Early Infantile Epileptic Encephalopathy 18 and no experimental evidence demonstrating its impact on protein function have been reported. One submitter has cited a clinical-significance assessment for this variant to ClinVar after 2014 and has classified the variant as likely benign. Based on the evidence outlined above, the variant was classified as likely benign.

Genome-Nilou Lab
Classification: Likely benign for Developmental and epileptic encephalopathy, 18. Last evaluated: 2023-04-11. Review status: criteria provided, single submitter. Criteria: ACMG Guidelines, 2015. Collection method: clinical testing. Allele origin: germline. Affected: no.